The following is an entry in ClinVar:

ClinVar aggregate classification (germline): Likely benign. Review status: criteria provided, multiple submitters, no conflicts (2 of 4 stars). 3 submissions from 3 submitters: Likely benign (3). Last evaluated 2025-04-10.

Conditions:
Neurofibromatosis, type 2 (SWNV). Also called: BILATERAL ACOUSTIC NEUROFIBROMATOSIS; SCHWANNOMATOSIS, VESTIBULAR; NF2-Related Schwannomatosis. Identifiers: Orphanet 637, MedGen C0027832, MONDO:0007039, OMIM 101000. Disease mechanism: loss of function.
Hereditary cancer-predisposing syndrome. Also called: Hereditary neoplastic syndrome; Hereditary Cancer Syndrome; Tumor predisposition; Neoplastic Syndromes, Hereditary. Identifiers: Orphanet 140162, MedGen C0027672, MeSH D009386, MONDO:0015356.

Allele frequency attached by ClinVar (database versions not stated): gnomAD exomes below 0.00001; ExAC 0.00001; gnomAD 0.00001; TOPMed 0.00003; ESP Exome Variant Server 0.00008.
gnomAD v4.1: 2 of 1,614,122 alleles (0.00012%); highest among the groups gnomAD compares: African/African-American, 0.0027%; no homozygotes.

Submissions (3):

Labcorp Genetics (formerly Invitae), Labcorp
Classification: Likely benign for Neurofibromatosis, type 2. Last evaluated: 2025-04-10. Review status: criteria provided, single submitter. Criteria: Invitae Variant Classification Sherloc (09022015). Collection method: clinical testing. Allele origin: germline.

All of Us Research Program, National Institutes of Health
Classification: Likely benign for Neurofibromatosis, type 2. Last evaluated: 2023-11-20. Review status: criteria provided, single submitter. Criteria: ACMG Guidelines, 2015. Collection method: clinical testing. Allele origin: germline. Inheritance: Autosomal dominant inheritance. Observed: 3 variant alleles, 3 heterozygotes.
Comment: This study involves interpretation of variants in research participants for the purpose of population health screening. Participant phenotype was not available at the time of variant classification. Additional details can be found in publication PMID: 35346344, PMCID: PMC8962531

Ambry Genetics
Classification: Likely benign for Hereditary cancer-predisposing syndrome. Last evaluated: 2019-11-06. Review status: criteria provided, single submitter. Criteria: Ambry Variant Classification Scheme 2023. Collection method: clinical testing. Allele origin: germline.

NM_000268.4(NF2):c.738T>C (p.Pro246=)

Gene: NF2 (NF2, moesin-ezrin-radixin like (MERLIN) tumor suppressor; plus strand). Cytogenetic location: 22q12.2.
Variant type: single nucleotide variant.
Coding change: c.738T>C on transcript NM_000268.4 (MANE Select); coding-DNA position 738, T replaced by C.
Protein change: p.Pro246=; no amino-acid change (proline 246 retained).
Molecular consequence: synonymous variant. On other transcripts: non-coding transcript variant (1), intron variant (1).
Genome position (GRCh38, 1-based): chr22:29,661,267, T>C. VCF-style: chr22-29661267-T-C. GRCh37 (hg19) VCF-style: chr22-30057256-T-C.
Other names: c.738T>C, p.Pro246= (NM_181832.3, NM_016418.5, NM_181825.3); c.447+18982T>C (NM_181833.3); c.612T>C, p.Pro204= (NM_181828.3); c.615T>C, p.Pro205= (NM_181829.3); c.489T>C, p.Pro163= (NM_181830.3, NM_181831.3).
Identifiers: ClinVar variation 1162035 (VCV001162035.12), dbSNP rs147665163, ClinGen allele CA034921.